The following is an entry in ClinVar:

NM_000302.4(PLOD1):c.1544A>G (p.His515Arg)

Gene: PLOD1 (procollagen-lysine,2-oxoglutarate 5-dioxygenase 1; plus strand). Cytogenetic location: 1p36.22.
Variant type: single nucleotide variant.
Coding change: c.1544A>G on transcript NM_000302.4 (MANE Select); coding-DNA position 1544, A replaced by G.
Protein change: p.His515Arg; replaces histidine 515 with arginine.
Molecular consequence: missense variant.
Genome position (GRCh38, 1-based): chr1:11,965,553, A>G. VCF-style: chr1-11965553-A-G. GRCh37 (hg19) VCF-style: chr1-12025610-A-G.
Other names: c.1685A>G, p.His562Arg (NM_001316320.2); short protein forms H562R, H515R.
Identifiers: ClinVar variation 2564996 (VCV002564996.2), dbSNP rs1286820110, ClinGen allele CA338444983.

ClinVar aggregate classification (germline): Uncertain significance (1 of 4 stars; one submission).

Conditions:
Familial thoracic aortic aneurysm and aortic dissection (TAAD). Also called: Thoracic aortic aneurysms and dissections. Identifiers: Orphanet 91387, MedGen C4707243, MONDO:0019625.

Allele frequency attached by ClinVar (database versions not stated): TOPMed below 0.00001; gnomAD 0.00001.
gnomAD v4.1: 1 of 1,613,404 alleles (0.000062%); highest among the groups gnomAD compares: Non-Finnish European, 0.000085%; no homozygotes.

Submission:

Ambry Genetics
Classification: Uncertain significance for Familial thoracic aortic aneurysm and aortic dissection. Last evaluated: 2023-03-16. Review status: criteria provided, single submitter. Criteria: Ambry Variant Classification Scheme 2023. Collection method: clinical testing. Allele origin: germline.
Comment: The p.H515R variant (also known as c.1544A>G), located in coding exon 14 of the PLOD1 gene, results from an A to G substitution at nucleotide position 1544. The histidine at codon 515 is replaced by arginine, an amino acid with highly similar properties. This amino acid position is conserved. In addition, this alteration is predicted to be deleterious by in silico analysis. Since supporting evidence is limited at this time, the clinical significance of this alteration remains unclear.